The following is an entry in ClinVar:

ClinVar aggregate classification (germline): Uncertain significance (1 of 4 stars; one submission).

Submission:

Labcorp Genetics (formerly Invitae), Labcorp
Classification: Uncertain significance. Last evaluated: 2022-07-18. Review status: criteria provided, single submitter. Criteria: Invitae Variant Classification Sherloc (09022015). Collection method: clinical testing. Allele origin: germline.
Comment: In summary, the available evidence is currently insufficient to determine the role of this variant in disease. Therefore, it has been classified as a Variant of Uncertain Significance. Algorithms developed to predict the effect of missense changes on protein structure and function (SIFT, PolyPhen-2, Align-GVGD) all suggest that this variant is likely to be tolerated. This variant has not been reported in the literature in individuals affected with TNFRSF11B-related conditions. This variant is not present in population databases (gnomAD no frequency). This sequence change replaces proline, which is neutral and non-polar, with serine, which is neutral and polar, at codon 159 of the TNFRSF11B protein (p.Pro159Ser).

NM_002546.4(TNFRSF11B):c.475C>T (p.Pro159Ser)

Gene: TNFRSF11B (TNF receptor superfamily member 11b; minus strand). Cytogenetic location: 8q24.12.
Variant type: single nucleotide variant.
Coding change: c.475C>T on transcript NM_002546.4 (MANE Select); coding-DNA position 475, C replaced by T.
Protein change: p.Pro159Ser; replaces proline 159 with serine.
Molecular consequence: missense variant.
Genome position (GRCh38, 1-based): chr8:118,928,855, G>A on the plus strand (C>T on the coding strand, the complement: TNFRSF11B is on the minus strand). VCF-style: chr8-118928855-G-A. GRCh37 (hg19) VCF-style: chr8-119941094-G-A.
Other names: short protein forms P159S.
Identifiers: ClinVar variation 1958375 (VCV001958375.5), dbSNP rs2488051729, ClinGen allele CA371919882.